The following is an entry in ClinVar:

NM_000441.2(SLC26A4):c.2212G>T (p.Gly738Cys)

Gene: SLC26A4 (solute carrier family 26 member 4; plus strand). Cytogenetic location: 7q22.3.
Variant type: single nucleotide variant.
Coding change: c.2212G>T on transcript NM_000441.2 (MANE Select); coding-DNA position 2212, G replaced by T.
Protein change: p.Gly738Cys; replaces glycine 738 with cysteine.
Molecular consequence: missense variant.
Genome position (GRCh38, 1-based): chr7:107,710,176, G>T. VCF-style: chr7-107710176-G-T. GRCh37 (hg19) VCF-style: chr7-107350621-G-T.
Other names: short protein forms G738C.
Identifiers: ClinVar variation 4977023 (VCV004977023.1).
Genomic context (GRCh38, chr7:107,710,176, plus strand): 5'-TTCTTTTTGACGGTCCATGATGCTATACTCTATCTACAGAACCAAGTGAAATCTCAAGAG[G>T]GTCAAGGTTCCATTTTAGAAACGGTAAATATTCAACCTTTCTACAGATGTATCTTTTCTA-3'
Protein context (NP_000432.1, residues 728-748): YLQNQVKSQE[Gly738Cys]QGSILETITL

ClinVar aggregate classification (germline): Uncertain significance (1 of 4 stars; one submission).

Conditions:
SLC26A4-related disorder. Also called: SLC26A4-related condition; SLC26A4-related disorders.

gnomAD v4.1: 14 of 1,606,232 alleles (0.00087%); no homozygotes.

Submission:

PreventionGenetics, part of Exact Sciences
Classification: Uncertain significance for SLC26A4-related condition. Last evaluated: 2025-08-12. Review status: criteria provided, single submitter. Criteria: ACMG Guidelines, 2015. Collection method: clinical testing. Allele origin: germline.
Comment: The SLC26A4 c.2212G>T variant is predicted to result in the amino acid substitution p.Gly738Cys. To our knowledge, this variant has not been reported in the literature. This variant is reported in 0.050% of alleles in individuals of Ashkenazi Jewish descent in gnomAD. At this time, the clinical significance of this variant is uncertain due to the absence of conclusive functional and genetic evidence.